The following is an entry in ClinVar:

ClinVar aggregate classification (germline): Conflicting classifications of pathogenicity. Review status: criteria provided, conflicting classifications (1 of 4 stars). 2 submissions from 2 submitters: Uncertain significance (1); Likely benign (1). Last evaluated 2025-03-12.

Conditions:
Spermatogenic failure 18. Identifiers: MedGen C4539783, MONDO:0054615, OMIM 617576.
Ciliary dyskinesia, primary, 37 (CILD37). Also called: CILIARY DYSKINESIA, PRIMARY, 37, WITH OR WITHOUT SITUS INVERSUS. Identifiers: MedGen C4539798, MONDO:0033204, OMIM 617577.
DNAH1-related disorder. Also called: DNAH1-related condition.

Allele frequency attached by ClinVar (database versions not stated): gnomAD exomes 0.00005 and 0.00009; ExAC 0.00006; TOPMed 0.00007; ESP Exome Variant Server 0.00008; gnomAD 0.00009.
gnomAD v4.1: 84 of 1,606,170 alleles (0.0052%); highest among the groups gnomAD compares: Middle Eastern, 0.017%; no homozygotes.

Submissions (2):

PreventionGenetics, part of Exact Sciences
Classification: Likely benign for DNAH1-related condition. Last evaluated: 2025-03-12. Review status: criteria provided, single submitter. Criteria: ACMG Guidelines, 2015. Collection method: clinical testing. Allele origin: germline.
Comment: This variant is classified as likely benign based on ACMG/AMP sequence variant interpretation guidelines (Richards et al. 2015 PMID: 25741868, with internal and published modifications).

Labcorp Genetics (formerly Invitae), Labcorp
Classification: Uncertain significance for Ciliary dyskinesia, primary, 37; Spermatogenic failure 18. Last evaluated: 2022-08-19. Review status: criteria provided, single submitter. Criteria: Invitae Variant Classification Sherloc (09022015). Collection method: clinical testing. Allele origin: germline.
Comment: This sequence change falls in intron 34 of the DNAH1 gene. It does not directly change the encoded amino acid sequence of the DNAH1 protein. It affects a nucleotide within the consensus splice site. This variant is present in population databases (rs202242747, gnomAD 0.2%). This variant has not been reported in the literature in individuals affected with DNAH1-related conditions. ClinVar contains an entry for this variant (Variation ID: 1060575). Variants that disrupt the consensus splice site are a relatively common cause of aberrant splicing (PMID: 17576681, 9536098). Algorithms developed to predict the effect of sequence changes on RNA splicing suggest that this variant is not likely to affect RNA splicing. In summary, the available evidence is currently insufficient to determine the role of this variant in disease. Therefore, it has been classified as a Variant of Uncertain Significance.

Literature cited by the submitters: PubMed 17576681 (cited by Labcorp Genetics (formerly Invitae), Labcorp); PubMed 9536098 (cited by Labcorp Genetics (formerly Invitae), Labcorp).

NM_015512.5(DNAH1):c.5518+3G>A

Gene: DNAH1 (dynein axonemal heavy chain 1; plus strand). Cytogenetic location: 3p21.1.
Variant type: single nucleotide variant.
Coding change: c.5518+3G>A on transcript NM_015512.5 (MANE Select); 3 bases into the intron after coding-DNA position 5518, G replaced by A.
Molecular consequence: intron variant.
Genome position (GRCh38, 1-based): chr3:52,365,022, G>A. VCF-style: chr3-52365022-G-A. GRCh37 (hg19) VCF-style: chr3-52399038-G-A.
Other names: c.5518+3G>A (NM_015512.4).
Identifiers: ClinVar variation 1060575 (VCV001060575.3), dbSNP rs202242747, ClinGen allele CA2434223.